The following is an entry in ClinVar:

ClinVar aggregate classification (germline): Uncertain significance (1 of 4 stars; one submission).

gnomAD v4.1: 43 of 1,605,616 alleles (0.0027%); highest among the groups gnomAD compares: Admixed American, 0.0067%; no homozygotes.

Submission:

Labcorp Genetics (formerly Invitae), Labcorp
Classification: Uncertain significance. Last evaluated: 2024-05-16. Review status: criteria provided, single submitter. Criteria: Invitae Variant Classification Sherloc (09022015). Collection method: clinical testing. Allele origin: germline.
Comment: This sequence change replaces threonine, which is neutral and polar, with isoleucine, which is neutral and non-polar, at codon 1045 of the MYO6 protein (p.Thr1045Ile). This variant is present in population databases (rs765061352, gnomAD 0.01%). This variant has not been reported in the literature in individuals affected with MYO6-related conditions. An algorithm developed to predict the effect of missense changes on protein structure and function (PolyPhen-2) suggests that this variant is likely to be disruptive. In summary, the available evidence is currently insufficient to determine the role of this variant in disease. Therefore, it has been classified as a Variant of Uncertain Significance.

NM_004999.4(MYO6):c.3134C>T (p.Thr1045Ile)

Gene: MYO6 (myosin VI; plus strand). Cytogenetic location: 6q14.1.
Variant type: single nucleotide variant.
Coding change: c.3134C>T on transcript NM_004999.4 (MANE Select); coding-DNA position 3134, C replaced by T.
Protein change: p.Thr1045Ile; replaces threonine 1045 with isoleucine.
Molecular consequence: missense variant. On other transcripts: intron variant (3).
Genome position (GRCh38, 1-based): chr6:75,895,257, C>T. VCF-style: chr6-75895257-C-T. GRCh37 (hg19) VCF-style: chr6-76604974-C-T.
Other names: c.3161C>T, p.Thr1054Ile (NM_001368137.1, NM_001368865.1, NM_001368866.1); c.3107+2567C>T (NM_001300899.2, NM_001368136.1); c.3092+2567C>T (NM_001368138.1); short protein forms T1045I, T1054I.
Identifiers: ClinVar variation 3730567 (VCV003730567.1).